The following is an entry in ClinVar:

ClinVar aggregate classification (germline): Uncertain significance. Review status: criteria provided, multiple submitters, no conflicts (2 of 4 stars). 3 submissions from 3 submitters: Uncertain significance (2). 1 of the submissions does not count toward it. Last evaluated 2025-04-29.

Conditions:
Immunodeficiency 60. Also called: IMMUNODEFICIENCY 60 AND AUTOIMMUNITY; IMMUNODEFICIENCY AND AUTOIMMUNITY, BACH2-RELATED. Identifiers: MedGen C5193072, MONDO:0032723, OMIM 618394.

Allele frequency attached by ClinVar (database versions not stated): 1000 Genomes Project 0.00040; ExAC 0.00004; 1000 Genomes Project 30x 0.00031; gnomAD 0.00016; ESP Exome Variant Server 0.00023.
gnomAD v4.1: 50 of 1,614,138 alleles (0.0031%); highest among the groups gnomAD compares: African/African-American, 0.053%; no homozygotes.

Submissions (3):

Labcorp Genetics (formerly Invitae), Labcorp
Classification: Uncertain significance. Last evaluated: 2025-04-29. Review status: criteria provided, single submitter. Criteria: Invitae Variant Classification Sherloc (09022015). Collection method: clinical testing. Allele origin: germline.
Comment: This sequence change replaces serine, which is neutral and polar, with isoleucine, which is neutral and non-polar, at codon 476 of the BACH2 protein (p.Ser476Ile). This variant is present in population databases (rs200859292, gnomAD 0.05%). This variant has not been reported in the literature in individuals affected with BACH2-related conditions. ClinVar contains an entry for this variant (Variation ID: 2582709). Invitae Evidence Modeling of protein sequence and biophysical properties (such as structural, functional, and spatial information, amino acid conservation, physicochemical variation, residue mobility, and thermodynamic stability) indicates that this missense variant is not expected to disrupt BACH2 protein function with a negative predictive value of 80%. In summary, the available evidence is currently insufficient to determine the role of this variant in disease. Therefore, it has been classified as a Variant of Uncertain Significance.

Ambry Genetics
Classification: Uncertain significance. Last evaluated: 2024-02-28. Review status: criteria provided, single submitter. Criteria: Ambry Variant Classification Scheme 2023. Collection method: clinical testing. Allele origin: germline.

Zotz-Klimas Genetics Lab, MVZ Zotz Klimas
Classification: Uncertain significance for Immunodeficiency 60. Last evaluated: 2023-10-09. Review status: no assertion criteria provided. Collection method: clinical testing. Allele origin: germline. Affected: yes. Not counted in ClinVar's aggregate classification.

NM_021813.4(BACH2):c.1427G>T (p.Ser476Ile)

Gene: BACH2 (BACH transcriptional regulator 2; minus strand). Cytogenetic location: 6q15.
Variant type: single nucleotide variant.
Coding change: c.1427G>T on transcript NM_021813.4 (MANE Select); coding-DNA position 1427, G replaced by T.
Protein change: p.Ser476Ile; replaces serine 476 with isoleucine.
Molecular consequence: missense variant.
Genome position (GRCh38, 1-based): chr6:89,950,679, C>A on the plus strand (G>T on the coding strand, the complement: BACH2 is on the minus strand). VCF-style: chr6-89950679-C-A. GRCh37 (hg19) VCF-style: chr6-90660398-C-A.
Other names: c.1427G>T, p.Ser476Ile (NM_001170794.2); c.1427G>T (NM_021813.2); short protein forms S476I.
Identifiers: ClinVar variation 2582709 (VCV002582709.5), dbSNP rs200859292, ClinGen allele CA3927988.
Genomic context (GRCh38, chr6:89,950,679, plus strand): 5'-GGCCGCATCCTTCCTGGCAAGTGGTCGGCCATCAGCCCACCGTGGGAGTAGGCCTGCGAG[C>A]TGGGGAGGGACTGGCCGGCTCCCACCCACAGACCCTTTGGCACCGGCTCAGAGAGGTCTT-3'
Protein context (NP_068585.1, residues 466-486): LWVGAGQSLP[Ser476Ile]SQAYSHGGLM